The following is an entry in ClinVar:

NM_000038.6(APC):c.918T>A (p.Ser306Arg)

Gene: APC (APC regulator of Wnt signaling pathway; plus strand). Cytogenetic location: 5q22.2.
Variant type: single nucleotide variant.
Coding change: c.918T>A on transcript NM_000038.6 (MANE Select); coding-DNA position 918, T replaced by A.
Protein change: p.Ser306Arg; replaces serine 306 with arginine.
Molecular consequence: missense variant. On other transcripts: non-coding transcript variant (2).
Genome position (GRCh38, 1-based): chr5:112,815,578, T>A. VCF-style: chr5-112815578-T-A. GRCh37 (hg19) VCF-style: chr5-112151275-T-A.
Other names: c.918T>A, p.Ser306Arg (NM_001127510.3, NM_001354895.2, NM_001354896.2 and 12 more transcripts); c.864T>A, p.Ser288Arg (NM_001127511.3); c.948T>A, p.Ser316Arg (NM_001354897.2, NM_001354902.2, NM_001407446.1); c.843T>A, p.Ser281Arg (NM_001354898.2, NM_001354904.2, NM_001407451.1); c.834T>A, p.Ser278Arg (NM_001354899.2, NM_001407452.1, NM_001407467.1 and 1 more transcripts); c.741T>A, p.Ser247Arg (NM_001354900.2, NM_001354901.2, NM_001354905.2 and 1 more transcripts); c.69T>A, p.Ser23Arg (NM_001354906.2, NM_001407470.1, NM_001407471.1 and 1 more transcripts); short protein forms S23R, S247R, S278R, S281R, S288R, S306R, S316R.
Identifiers: ClinVar variation 3231860 (VCV003231860.1), dbSNP rs730881231, ClinGen allele CA16023320.

ClinVar aggregate classification (germline): Uncertain significance (1 of 4 stars; one submission).

Conditions:
Hereditary cancer-predisposing syndrome. Also called: Neoplastic Syndromes, Hereditary; Tumor predisposition; Hereditary neoplastic syndrome; Hereditary Cancer Syndrome. Identifiers: Orphanet 140162, MedGen C0027672, MeSH D009386, MONDO:0015356.

Submission:

Ambry Genetics
Classification: Uncertain significance for Hereditary cancer-predisposing syndrome. Last evaluated: 2023-12-12. Review status: criteria provided, single submitter. Criteria: Ambry Variant Classification Scheme 2023. Collection method: clinical testing. Allele origin: germline.
Comment: The p.S306R variant (also known as c.918T>A), located in coding exon 8 of the APC gene, results from a T to A substitution at nucleotide position 918. The serine at codon 306 is replaced by arginine, an amino acid with dissimilar properties. This amino acid position is well conserved in available vertebrate species. In addition, in silico predictors for this gene do not accurately predict pathogenicity. Since supporting evidence is limited at this time, the clinical significance of this alteration remains unclear.